The following is an entry in ClinVar:

NM_000553.6(WRN):c.3208T>C (p.Cys1070Arg)

Gene: WRN (WRN RecQ like helicase; plus strand). Cytogenetic location: 8p12.
Variant type: single nucleotide variant.
Coding change: c.3208T>C on transcript NM_000553.6 (MANE Select); coding-DNA position 3208, T replaced by C.
Protein change: p.Cys1070Arg; replaces cysteine 1070 with arginine.
Molecular consequence: missense variant.
Genome position (GRCh38, 1-based): chr8:31,141,750, T>C. VCF-style: chr8-31141750-T-C. GRCh37 (hg19) VCF-style: chr8-30999266-T-C.
Other names: short protein forms C1070R.
Identifiers: ClinVar variation 998792 (VCV000998792.3), dbSNP rs1802646417, ClinGen allele CA370923136.

ClinVar aggregate classification (germline): Uncertain significance (1 of 4 stars; one submission).

Conditions:
Werner syndrome (WRN). Identifiers: Orphanet 902, MedGen C0043119, MONDO:0010196, OMIM 277700.

Submission:

Labcorp Genetics (formerly Invitae), Labcorp
Classification: Uncertain significance for Werner syndrome. Last evaluated: 2020-07-01. Review status: criteria provided, single submitter. Criteria: Invitae Variant Classification Sherloc (09022015). Collection method: clinical testing. Allele origin: germline.
Comment: In summary, the available evidence is currently insufficient to determine the role of this variant in disease. Therefore, it has been classified as a Variant of Uncertain Significance. Algorithms developed to predict the effect of missense changes on protein structure and function output the following: SIFT: "Not Available"; PolyPhen-2: "Benign"; Align-GVGD: "Not Available". The arginine amino acid residue is found in multiple mammalian species, suggesting that this missense change does not adversely affect protein function. These predictions have not been confirmed by published functional studies and their clinical significance is uncertain. This variant has not been reported in the literature in individuals with WRN-related conditions. This variant is not present in population databases (ExAC no frequency). This sequence change replaces cysteine with arginine at codon 1070 of the WRN protein (p.Cys1070Arg). The cysteine residue is weakly conserved and there is a large physicochemical difference between cysteine and arginine.